The following is an entry in ClinVar:

NM_152347.5(EFCAB13):c.706C>T (p.Arg236Ter)

Gene: EFCAB13 (EF-hand calcium binding domain 13; plus strand). Cytogenetic location: 17q21.32.
Variant type: single nucleotide variant.
Coding change: c.706C>T on transcript NM_152347.5 (MANE Select); coding-DNA position 706, C replaced by T.
Protein change: p.Arg236Ter; replaces arginine 236 with a stop codon.
Molecular consequence: nonsense. On other transcripts: intron variant (1).
Genome position (GRCh38, 1-based): chr17:47,361,422, C>T. VCF-style: chr17-47361422-C-T. GRCh37 (hg19) VCF-style: chr17-45438788-C-T.
Other names: NC_000017.10:g.45438788C>T; c.706C>T, p.Arg236Ter (NM_001426585.1); c.562C>T, p.Arg188Ter (NM_001426586.1, NM_001426589.1, NM_001426590.1); c.518-9015C>T (NM_001195192.2); short protein forms R188*, R236*.
Identifiers: ClinVar variation 3041441 (VCV003041441.3), dbSNP rs78865644, ClinGen allele CA8623761.

ClinVar aggregate classification (germline): Benign (0 of 4 stars; one submission).

Conditions:
EFCAB13-related disorder. Also called: EFCAB13-related condition.

Allele frequency attached by ClinVar (database versions not stated): 1000 Genomes Project 30x 0.00328; 1000 Genomes Project 0.00339; ESP Exome Variant Server 0.00753; ExAC 0.00772.
gnomAD v4.1: 15,356 of 1,613,472 alleles (0.95%); highest among the groups gnomAD compares: Middle Eastern, 1.2%; 90 homozygotes.

Submissions (2):

PreventionGenetics, part of Exact Sciences
Classification: Benign for EFCAB13-related condition. Last evaluated: 2019-02-20. Review status: no assertion criteria provided. Collection method: clinical testing. Allele origin: germline.
Comment: This variant is classified as benign based on ACMG/AMP sequence variant interpretation guidelines (Richards et al. 2015 PMID: 25741868, with internal and published modifications).

Dr. Peter K. Rogan Lab, Western University
No classification provided (evidence only). Condition: Familial cancer of breast. Review status: no classification provided. Collection method: in vitro. Allele origin: not applicable. Functional consequence: retained intron. Not counted in ClinVar's aggregate classification.